The following is an entry in ClinVar:

ClinVar aggregate classification (germline): Benign/Likely benign. Review status: criteria provided, multiple submitters, no conflicts (2 of 4 stars). 7 submissions from 7 submitters: Benign (1); Likely benign (6). Last evaluated 2026-01-13.

Conditions:
Hereditary cancer-predisposing syndrome. Also called: Neoplastic Syndromes, Hereditary; Tumor predisposition; Hereditary Cancer Syndrome; Hereditary neoplastic syndrome. Identifiers: Orphanet 140162, MedGen C0027672, MeSH D009386, MONDO:0015356.
Familial cancer of breast. Also called: BREAST CANCER, FAMILIAL; hereditary breast carcinoma; Hereditary breast cancer. Identifiers: Orphanet 227535, MedGen C0346153, MONDO:0016419, OMIM 114480. Disease mechanism: loss of function.

Allele frequency attached by ClinVar (database versions not stated): TOPMed below 0.00001; gnomAD 0.00001.
gnomAD v4.1: 3 of 1,613,782 alleles (0.00019%); highest among the groups gnomAD compares: Non-Finnish European, 0.00025%; no homozygotes.

Submissions (7):

Labcorp Genetics (formerly Invitae), Labcorp
Classification: Likely benign for Familial cancer of breast. Last evaluated: 2026-01-13. Review status: criteria provided, single submitter. Criteria: Invitae Variant Classification Sherloc (09022015). Collection method: clinical testing. Allele origin: germline.

Quest Diagnostics Nichols Institute San Juan Capistrano
Classification: Likely benign. Last evaluated: 2025-06-18. Review status: criteria provided, single submitter. Criteria: Quest Diagnostics criteria. Collection method: clinical testing. Allele origin: unknown.

Myriad Genetics, Inc.
Classification: Benign for Familial cancer of breast. Last evaluated: 2025-01-21. Review status: criteria provided, single submitter. Criteria: Myriad Autosomal Dominant, Autosomal Recessive and X-Linked Classification Criteria (2023). Collection method: clinical testing. Allele origin: unknown.
Comment: This variant is considered benign. This variant is a silent/synonymous amino acid change and it is not expected to impact splicing.

Women's Health and Genetics/Laboratory Corporation of America, LabCorp
Classification: Likely benign. Last evaluated: 2025-01-16. Review status: criteria provided, single submitter. Criteria: LabCorp Variant Classification Summary - May 2015. Collection method: clinical testing. Allele origin: germline.

Color Diagnostics, LLC DBA Color Health
Classification: Likely benign for Hereditary cancer-predisposing syndrome. Last evaluated: 2023-07-06. Review status: criteria provided, single submitter. Criteria: ACMG Guidelines, 2015. Collection method: clinical testing. Allele origin: germline.

GeneDx
Classification: Likely benign. Last evaluated: 2016-01-20. Review status: criteria provided, single submitter. Criteria: GeneDx Variant Classification (06012015). Collection method: clinical testing. Allele origin: germline. Affected: yes.
Comment: This variant is considered likely benign or benign based on one or more of the following criteria: it is a conservative change, it occurs at a poorly conserved position in the protein, it is predicted to be benign by multiple in silico algorithms, and/or has population frequency not consistent with disease.

Ambry Genetics
Classification: Likely benign for Hereditary cancer-predisposing syndrome. Last evaluated: 2015-03-30. Review status: criteria provided, single submitter. Criteria: Ambry Variant Classification Scheme 2023. Collection method: clinical testing. Allele origin: germline.

NM_024675.4(PALB2):c.3219C>G (p.Val1073=)

Gene: PALB2 (partner and localizer of BRCA2; minus strand). Cytogenetic location: 16p12.2.
Variant type: single nucleotide variant.
Coding change: c.3219C>G on transcript NM_024675.4 (MANE Select); coding-DNA position 3219, C replaced by G.
Protein change: p.Val1073=; no amino-acid change (valine 1073 retained).
Molecular consequence: synonymous variant.
Genome position (GRCh38, 1-based): chr16:23,607,995, G>C on the plus strand (C>G on the coding strand, the complement: PALB2 is on the minus strand). VCF-style: chr16-23607995-G-C. GRCh37 (hg19) VCF-style: chr16-23619316-G-C.
Identifiers: ClinVar variation 231048 (VCV000231048.22), dbSNP rs876658924, ClinGen allele CA10579925.